The following is an entry in ClinVar:

NM_001110219.3(GJB6):c.376del (p.Val126fs)

Gene: GJB6 (gap junction protein beta 6; minus strand). Cytogenetic location: 13q12.11.
Variant type: Deletion.
Coding change: c.376del on transcript NM_001110219.3 (MANE Select); coding-DNA position 376, one base deleted (G; older notation c.376delG).
Protein change: p.Val126fs; shifts the reading frame from valine 126.
Molecular consequence: frameshift variant.
Genome position (GRCh38, 1-based): chr13:20,223,105, C deleted on the plus strand (G on the coding strand, the reverse complement: GJB6 is on the minus strand); the first of 2 consecutive C bases (chr13:20,223,105-20,223,106); deleting either gives the same sequence. VCF-style (leftmost placement, unchanged base first): chr13-20223104-AC-A. GRCh37 (hg19) VCF-style: chr13-20797243-AC-A.
Other names: c.376del, p.Val126fs (NM_001110220.3, NM_001110221.3, NM_001370090.1 and 3 more transcripts); short protein forms V126fs.
Identifiers: ClinVar variation 1683325 (VCV001683325.1), dbSNP rs2137332907, ClinGen allele CA2573149160.

ClinVar aggregate classification (germline): Uncertain significance (1 of 4 stars; one submission).

Submission:

Women's Health and Genetics/Laboratory Corporation of America, LabCorp
Classification: Uncertain significance. Last evaluated: 2022-04-19. Review status: criteria provided, single submitter. Criteria: LabCorp Variant Classification Summary - May 2015. Collection method: clinical testing. Allele origin: germline.
Comment: Variant summary: GJB6 c.376delG (p.Val126PhefsX3) located in the last exon results in a premature termination codon, predicted to cause a truncation of the encoded protein or absence of the protein due to nonsense mediated decay, which are commonly known mechanisms for disease. Truncations downstream of this position have not been observed at our laboratory but at-least one has been reported in association with non-syndromic hearing loss in the HGMD database. The variant was absent in 251452 control chromosomes. The available data on variant occurrences in the general population are insufficient to allow any conclusion about variant significance. To our knowledge, no occurrence of c.376delG in individuals affected with Hidrotic Ectodermal Dysplasia Syndrome/GJB2-related disorders and no experimental evidence demonstrating its impact on protein function have been reported. No clinical diagnostic laboratories have submitted clinical-significance assessments for this variant to ClinVar after 2014. Based on the evidence outlined above, the variant was classified as uncertain significance.